The following is an entry in ClinVar:

ClinVar aggregate classification (germline): Uncertain significance (1 of 4 stars; one submission).

gnomAD v4.1: 1 of 1,614,014 alleles (0.000062%); highest among the groups gnomAD compares: Admixed American, 0.0017%; no homozygotes.

Submission:

Mayo Clinic Laboratories, Mayo Clinic
Classification: Uncertain significance. Last evaluated: 2025-10-17. Review status: criteria provided, single submitter. Criteria: ACMG Guidelines, 2015. Collection method: clinical testing. Allele origin: germline. Observed: 1 variant allele.
Comment: BP4_moderate, PM2_supporting

NM_016341.4(PLCE1):c.6028T>A (p.Cys2010Ser)

Gene: PLCE1 (phospholipase C epsilon 1; plus strand). Cytogenetic location: 10q23.33.
Variant type: single nucleotide variant.
Coding change: c.6028T>A on transcript NM_016341.4 (MANE Select); coding-DNA position 6028, T replaced by A.
Protein change: p.Cys2010Ser; replaces cysteine 2010 with serine.
Molecular consequence: missense variant.
Genome position (GRCh38, 1-based): chr10:94,313,278, T>A. VCF-style: chr10-94313278-T-A. GRCh37 (hg19) VCF-style: chr10-96073035-T-A.
Other names: p.Cys2010Ser; c.5104T>A, p.Cys1702Ser (NM_001165979.2); c.5980T>A, p.Cys1994Ser (NM_001288989.2); short protein forms C1702S, C1994S, C2010S.
Identifiers: ClinVar variation 4541565 (VCV004541565.1).
Genomic context (GRCh38, chr10:94,313,278, plus strand): 5'-ACGGATGAATGATCAGCCATGTGATCTTCTTGACAGATGTTTAATACAGAAGAAAGAAAA[T>A]GTTTGCAGACTCACAGAGTCACGGTGCATGGGGTCCCAGGGCCAGAGCCCTTTACCGTTT-3'
Protein context (NP_057425.3, residues 2000-2020): SSMFNTEERK[Cys2010Ser]LQTHRVTVHG